The following is an entry in ClinVar:

ClinVar aggregate classification (germline): Benign (1 of 4 stars; one submission).

gnomAD v4.1: 598 of 1,515,770 alleles (0.039%); highest among the groups gnomAD compares: South Asian, 0.72%; 8 homozygotes.

Submission:

CeGaT Center for Human Genetics Tuebingen
Classification: Benign. Last evaluated: 2026-08-01. Review status: criteria provided, single submitter. Criteria: CeGaT Center For Human Genetics Tuebingen Variant Classification Criteria Version 2. Collection method: clinical testing. Allele origin: germline. Affected: yes. Observed: 1 variant allele.
Comment: KCNA3: BS1, BS2

NM_002232.5(KCNA3):c.142G>A (p.Glu48Lys)

Gene: KCNA3 (potassium voltage-gated channel subfamily A member 3; minus strand). Cytogenetic location: 1p13.3.
Variant type: single nucleotide variant.
Coding change: c.142G>A on transcript NM_002232.5 (MANE Select); coding-DNA position 142, G replaced by A.
Protein change: p.Glu48Lys; replaces glutamic acid 48 with lysine.
Molecular consequence: missense variant.
Genome position (GRCh38, 1-based): chr1:110,674,668, C>T on the plus strand (G>A on the coding strand, the complement: KCNA3 is on the minus strand). VCF-style: chr1-110674668-C-T. GRCh37 (hg19) VCF-style: chr1-111217290-C-T.
Other names: short protein forms E48K.
Identifiers: ClinVar variation 5038987 (VCV005038987.1).